The following is an entry in ClinVar:

NM_201384.3(PLEC):c.9877G>C (p.Glu3293Gln)

Gene: PLEC (plectin; minus strand). Cytogenetic location: 8q24.3.
Variant type: single nucleotide variant.
Coding change: c.9877G>C on transcript NM_201384.3 (MANE Select); coding-DNA position 9877, G replaced by C.
Protein change: p.Glu3293Gln; replaces glutamic acid 3293 with glutamine.
Molecular consequence: missense variant.
Genome position (GRCh38, 1-based): chr8:143,919,944, C>G on the plus strand (G>C on the coding strand, the complement: PLEC is on the minus strand). VCF-style: chr8-143919944-C-G. GRCh37 (hg19) VCF-style: chr8-144994112-C-G.
Other names: c.9958G>C, p.Glu3320Gln (NM_000445.5); c.6577G>C, p.Glu2193Gln (NM_001410941.1); c.9835G>C, p.Glu3279Gln (NM_201378.4); c.9811G>C, p.Glu3271Gln (NM_201379.3); c.10288G>C, p.Glu3430Gln (NM_201380.4); c.9781G>C, p.Glu3261Gln (NM_201381.3); c.9877G>C, p.Glu3293Gln (NM_201382.4); c.9889G>C, p.Glu3297Gln (NM_201383.3); short protein forms E3261Q, E3320Q, E3271Q, E3293Q, E3430Q, E2193Q, E3279Q, E3297Q.
Identifiers: ClinVar variation 4787995 (VCV004787995.1).
Genomic context (GRCh38, chr8:143,919,944, plus strand): 5'-GCACAGGGGCACGGAGGCCGCTGAAGGACAGCCTCTCCTGCCGCAGGGTCTCCACCTCCT[C>G]CACGATGGTAATGAGAATCTTGATGACCTTCTCCACGGTGACCTTGCCCGTGCGGAACTG-3'
Protein context (NP_958786.1, residues 3283-3303): KVIKILITIV[Glu3293Gln]EVETLRQERL

ClinVar aggregate classification (germline): Uncertain significance (1 of 4 stars; one submission).

Conditions:
Epidermolysis bullosa simplex with nail dystrophy (EBS5D). Identifiers: MedGen C4225309, MONDO:0014661, OMIM 616487.
Epidermolysis bullosa simplex, Ogna type (EBS5A). Also called: EPIDERMOLYSIS BULLOSA SIMPLEX 5A, OGNA TYPE; Pidermolysis bullosa simplex 5A, Ogna type. Identifiers: Orphanet 79401, MedGen C0432317, MONDO:0007555, OMIM 131950.
Autosomal recessive limb-girdle muscular dystrophy type 2Q (LGMDR17). Also called: MUSCULAR DYSTROPHY, LIMB-GIRDLE, AUTOSOMAL RECESSIVE 17. Identifiers: Orphanet 254361, MedGen C3150989, MONDO:0013390, OMIM 613723.
Epidermolysis bullosa simplex 5B, with muscular dystrophy (EBS5B). Also called: EPIDERMOLYSIS BULLOSA SIMPLEX AND LIMB-GIRDLE MUSCULAR DYSTROPHY; Epidermolysis bullosa simplex with muscular dystrophy. Identifiers: Orphanet 257, MedGen C2931072, MONDO:0009181, OMIM 226670.
Epidermolysis bullosa simplex 5C, with pyloric atresia (EBS5C). Also called: PLEC-Related Epidermolysis Bullosa with Pyloric Atresia; Epidermolysis bullosa simplex with pyloric atresia; PLEC1-Related Epidermolysis Bullosa with Pyloric Atresia. Identifiers: Orphanet 158684, MedGen C2677349, MONDO:0012807, OMIM 612138.

Submission:

Labcorp Genetics (formerly Invitae), Labcorp
Classification: Uncertain significance for Autosomal recessive limb-girdle muscular dystrophy type 2Q; Epidermolysis bullosa simplex, Ogna type; Epidermolysis bullosa simplex with nail dystrophy; Epidermolysis bullosa simplex 5C, with pyloric atresia; Epidermolysis bullosa simplex 5B, with muscular dystrophy. Last evaluated: 2025-11-11. Review status: criteria provided, single submitter. Criteria: Invitae Variant Classification Sherloc (09022015). Collection method: clinical testing. Allele origin: germline.
Comment: This sequence change replaces glutamic acid, which is acidic and polar, with glutamine, which is neutral and polar, at codon 3320 of the PLEC protein (p.Glu3320Gln). This variant is not present in population databases (gnomAD no frequency). This variant has not been reported in the literature in individuals affected with PLEC-related conditions. An algorithm developed to predict the effect of missense changes on protein structure and function (PolyPhen-2) suggests that this variant is likely to be disruptive. In summary, the available evidence is currently insufficient to determine the role of this variant in disease. Therefore, it has been classified as a Variant of Uncertain Significance.